The following is an entry in ClinVar:

ClinVar aggregate classification (germline): Pathogenic. Review status: criteria provided, multiple submitters, no conflicts (2 of 4 stars). 2 submissions from 2 submitters: Pathogenic (2). Last evaluated 2025-02-27.

Conditions:
Hereditary nonpolyposis colorectal neoplasms. Identifiers: MedGen C0009405, MeSH D003123.
Hereditary cancer-predisposing syndrome. Also called: Neoplastic Syndromes, Hereditary; Tumor predisposition; Hereditary Cancer Syndrome; Hereditary neoplastic syndrome. Identifiers: Orphanet 140162, MedGen C0027672, MeSH D009386, MONDO:0015356.

Submissions (2):

Labcorp Genetics (formerly Invitae), Labcorp
Classification: Pathogenic for Hereditary nonpolyposis colorectal neoplasms. Last evaluated: 2025-02-27. Review status: criteria provided, single submitter. Criteria: Invitae Variant Classification Sherloc (09022015). Collection method: clinical testing. Allele origin: germline.
Comment: This sequence change creates a premature translational stop signal (p.Gln1122*) in the MSH6 gene. It is expected to result in an absent or disrupted protein product. Loss-of-function variants in MSH6 are known to be pathogenic (PMID: 18269114, 24362816). This variant is not present in population databases (gnomAD no frequency). This variant has not been reported in the literature in individuals affected with MSH6-related conditions. ClinVar contains an entry for this variant (Variation ID: 1730644). For these reasons, this variant has been classified as Pathogenic.

Ambry Genetics
Classification: Pathogenic for Hereditary cancer-predisposing syndrome. Last evaluated: 2023-12-08. Review status: criteria provided, single submitter. Criteria: Ambry Variant Classification Scheme 2023. Collection method: clinical testing. Allele origin: germline.
Comment: The p.Q1122* pathogenic mutation (also known as c.3364C>T), located in coding exon 5 of the MSH6 gene, results from a C to T substitution at nucleotide position 3364. This changes the amino acid from a glutamine to a stop codon within coding exon 5. This alteration is expected to result in loss of function by premature protein truncation or nonsense-mediated mRNA decay. As such, this alteration is interpreted as a disease-causing mutation.

Literature cited by the submitters: PubMed 18269114 (cited by Labcorp Genetics (formerly Invitae), Labcorp); PubMed 24362816 (cited by Labcorp Genetics (formerly Invitae), Labcorp).

NM_000179.3(MSH6):c.3364C>T (p.Gln1122Ter)

Gene: MSH6 (mutS homolog 6; plus strand). Cytogenetic location: 2p16.3.
Variant type: single nucleotide variant.
Coding change: c.3364C>T on transcript NM_000179.3 (MANE Select); coding-DNA position 3364, C replaced by T.
Protein change: p.Gln1122Ter; replaces glutamine 1122 with a stop codon.
Molecular consequence: nonsense.
Genome position (GRCh38, 1-based): chr2:47,803,611, C>T. VCF-style: chr2-47803611-C-T. GRCh37 (hg19) VCF-style: chr2-48030750-C-T.
Other names: c.2974C>T, p.Gln992Ter (NM_001281492.2); c.2458C>T, p.Gln820Ter (NM_001281493.2, NM_001281494.2, NM_001406811.1 and 6 more transcripts); c.3460C>T, p.Gln1154Ter (NM_001406795.1, NM_001406802.1); c.3364C>T, p.Gln1122Ter (NM_001406796.1, NM_001406800.1, NM_001406808.1 and 1 more transcripts); c.3067C>T, p.Gln1023Ter (NM_001406797.1, NM_001406801.1, NM_001406805.1 and 10 more transcripts); c.3190C>T, p.Gln1064Ter (NM_001406798.1); c.2839C>T, p.Gln947Ter (NM_001406799.1, NM_001406806.1, NM_001406807.1); c.2500C>T, p.Gln834Ter (NM_001406803.1); and 7 more; short protein forms Q1023*, Q1122*, Q834*, Q947*, Q1064*, Q1154*, Q437*, Q71*.
Identifiers: ClinVar variation 1730644 (VCV001730644.3), dbSNP rs1060502892, ClinGen allele CA346758785.